The following is an entry in ClinVar:

ClinVar aggregate classification (germline): Likely benign. Review status: criteria provided, multiple submitters, no conflicts (2 of 4 stars). 2 submissions from 2 submitters: Likely benign (2). Last evaluated 2026-04-01.

Allele frequency attached by ClinVar (database versions not stated): ExAC 0.00004; ESP Exome Variant Server 0.00008; gnomAD 0.00015; gnomAD exomes 0.00015; TOPMed 0.00022.
gnomAD v4.1: 242 of 1,611,600 alleles (0.015%); highest among the groups gnomAD compares: Non-Finnish European, 0.018%; no homozygotes.

Submissions (2):

CeGaT Center for Human Genetics Tuebingen
Classification: Likely benign. Last evaluated: 2026-04-01. Review status: criteria provided, single submitter. Criteria: CeGaT Center For Human Genetics Tuebingen Variant Classification Criteria Version 2. Collection method: clinical testing. Allele origin: germline. Affected: yes. Observed: 1 variant allele.
Comment: PHF21A: BP4, BP7

Labcorp Genetics (formerly Invitae), Labcorp
Classification: Likely benign. Last evaluated: 2025-11-13. Review status: criteria provided, single submitter. Criteria: Invitae Variant Classification Sherloc (09022015). Collection method: clinical testing. Allele origin: germline.

NM_001352027.3(PHF21A):c.1983G>A (p.Pro661=)

Gene: PHF21A (PHD finger protein 21A; minus strand). Cytogenetic location: 11p11.2.
Variant type: single nucleotide variant.
Coding change: c.1983G>A on transcript NM_001352027.3 (MANE Select); coding-DNA position 1983, G replaced by A.
Protein change: p.Pro661=; no amino-acid change (proline 661 retained).
Molecular consequence: synonymous variant. On other transcripts: non-coding transcript variant (2).
Genome position (GRCh38, 1-based): chr11:45,934,031, C>T on the plus strand (G>A on the coding strand, the complement: PHF21A is on the minus strand). VCF-style: chr11-45934031-C-T. GRCh37 (hg19) VCF-style: chr11-45955582-C-T.
Other names: c.1980G>A, p.Pro660= (NM_001101802.3); c.1983G>A, p.Pro661= (NM_001352025.3, NM_001352026.3); c.1842G>A, p.Pro614= (NM_001352028.1, NM_001352029.1, NM_016621.5); c.1839G>A, p.Pro613= (NM_001352030.3, NM_001352031.3, NM_001352032.3).
Identifiers: ClinVar variation 2058610 (VCV002058610.6), dbSNP rs377700825, ClinGen allele CA5960909.
Genomic context (GRCh38, chr11:45,934,031, plus strand): 5'-TTTAGTCTCTTCCCCCTGGTTACAGTTCGCTGTGCAGCTCTGGGAGGAGGGGGAAGGGGC[C>T]GGCGTGGAGGTGGCGGCATTGGCAGGGGGGGTGCAGTCCGGGCCATTGGAGATGGCCCCC-3'
Protein context (NP_001338956.1, residues 651-671): TPPANAATST[Pro661=]APSPSSQSCT